The following is an entry in ClinVar:

ClinVar aggregate classification (germline): Uncertain significance. Review status: criteria provided, multiple submitters, no conflicts (2 of 4 stars). 3 submissions from 3 submitters: Uncertain significance (3). Last evaluated 2025-05-07.

Conditions:
Bethlem myopathy 2 (BTHLM2). Identifiers: Orphanet 536516, Orphanet 610, MedGen C4225313, MONDO:0034022, OMIM 616471.
Ullrich congenital muscular dystrophy 2 (UCMD2). Identifiers: Orphanet 75840, MedGen C4225314, MONDO:0014654, OMIM 616470.

Allele frequency attached by ClinVar (database versions not stated): TOPMed below 0.00001; ExAC 0.00001; gnomAD exomes 0.00001; gnomAD 0.00001.
gnomAD v4.1: 10 of 1,611,012 alleles (0.00062%); highest among the groups gnomAD compares: African/African-American, 0.0027%; no homozygotes.

Submissions (3):

Labcorp Genetics (formerly Invitae), Labcorp
Classification: Uncertain significance for Bethlem myopathy 2; Ullrich congenital muscular dystrophy 2. Last evaluated: 2025-05-07. Review status: criteria provided, single submitter. Criteria: Invitae Variant Classification Sherloc (09022015). Collection method: clinical testing. Allele origin: germline.
Comment: This sequence change replaces lysine, which is basic and polar, with glutamic acid, which is acidic and polar, at codon 2287 of the COL12A1 protein (p.Lys2287Glu). This variant is present in population databases (rs775646975, gnomAD 0.01%). This variant has not been reported in the literature in individuals affected with COL12A1-related conditions. ClinVar contains an entry for this variant (Variation ID: 648212). Invitae Evidence Modeling of protein sequence and biophysical properties (such as structural, functional, and spatial information, amino acid conservation, physicochemical variation, residue mobility, and thermodynamic stability) indicates that this missense variant is not expected to disrupt COL12A1 protein function with a negative predictive value of 80%. In summary, the available evidence is currently insufficient to determine the role of this variant in disease. Therefore, it has been classified as a Variant of Uncertain Significance.

Genomic Medicine Center of Excellence, King Faisal Specialist Hospital and Research Centre
Classification: Uncertain significance for Bethlem myopathy 2. Last evaluated: 2024-04-04. Review status: criteria provided, single submitter. Criteria: ACMG Guidelines, 2015. Collection method: clinical testing. Allele origin: germline.

Neuberg Centre For Genomic Medicine, NCGM
Classification: Uncertain significance for Ullrich congenital muscular dystrophy 2. Review status: criteria provided, single submitter. Criteria: ACMG Guidelines, 2015. Collection method: clinical testing. Allele origin: germline. Inheritance: Autosomal recessive inheritance. Affected: yes.

NM_004370.6(COL12A1):c.6859A>G (p.Lys2287Glu)

Gene: COL12A1 (collagen type XII alpha 1 chain; minus strand). Cytogenetic location: 6q13.
Variant type: single nucleotide variant.
Coding change: c.6859A>G on transcript NM_004370.6 (MANE Select); coding-DNA position 6859, A replaced by G.
Protein change: p.Lys2287Glu; replaces lysine 2287 with glutamic acid.
Molecular consequence: missense variant.
Genome position (GRCh38, 1-based): chr6:75,123,960, T>C on the plus strand (A>G on the coding strand, the complement: COL12A1 is on the minus strand). VCF-style: chr6-75123960-T-C. GRCh37 (hg19) VCF-style: chr6-75833676-T-C.
Other names: c.3367A>G, p.Lys1123Glu (NM_080645.3); short protein forms K1123E, K2287E.
Identifiers: ClinVar variation 648212 (VCV000648212.13), dbSNP rs775646975, ClinGen allele CA3892717.